The following is an entry in ClinVar:

NM_005529.7(HSPG2):c.8287C>T (p.Arg2763Cys)

Gene: HSPG2 (heparan sulfate proteoglycan 2; minus strand). Cytogenetic location: 1p36.12.
Variant type: single nucleotide variant.
Coding change: c.8287C>T on transcript NM_005529.7 (MANE Select); coding-DNA position 8287, C replaced by T.
Protein change: p.Arg2763Cys; replaces arginine 2763 with cysteine.
Molecular consequence: missense variant.
Genome position (GRCh38, 1-based): chr1:21,846,477, G>A on the plus strand (C>T on the coding strand, the complement: HSPG2 is on the minus strand). VCF-style: chr1-21846477-G-A. GRCh37 (hg19) VCF-style: chr1-22172970-G-A.
Other names: c.8290C>T, p.Arg2764Cys (NM_001291860.2); short protein forms R2763C, R2764C.
Identifiers: ClinVar variation 295777 (VCV000295777.10), dbSNP rs775757447, ClinGen allele CA670849.

ClinVar aggregate classification (germline): Uncertain significance. Review status: criteria provided, multiple submitters, no conflicts (2 of 4 stars). 5 submissions from 4 submitters: Uncertain significance (5). Last evaluated 2021-10-13.

Conditions:
Lethal Kniest-like syndrome (DDSH). Also called: Dyssegmental Dysplasia. Identifiers: Orphanet 1865, MedGen C1857100, MONDO:0009140, OMIM 224410.
Schwartz-Jampel syndrome. Also called: Myotonic myopathy dwarfism chondrodystrophy and ocular and facial abnormalities. Identifiers: Orphanet 800, MedGen C0036391, MONDO:0009717.
Inborn genetic diseases. Identifiers: MedGen C0950123, MeSH D030342.

Allele frequency attached by ClinVar (database versions not stated): ExAC 0.00003; TOPMed 0.00003; gnomAD 0.00004 and 0.00005; gnomAD exomes 0.00004.
gnomAD v4.1: 71 of 1,613,574 alleles (0.0044%); highest among the groups gnomAD compares: Non-Finnish European, 0.0057%; no homozygotes.

Submissions (5):

Labcorp Genetics (formerly Invitae), Labcorp
Classification: Uncertain significance. Last evaluated: 2021-10-13. Review status: criteria provided, single submitter. Criteria: Invitae Variant Classification Sherloc (09022015). Collection method: clinical testing. Allele origin: germline.
Comment: This sequence change replaces arginine with cysteine at codon 2763 of the HSPG2 protein (p.Arg2763Cys). The arginine residue is weakly conserved and there is a large physicochemical difference between arginine and cysteine. This variant is present in population databases (rs775757447, ExAC 0.009%). This variant has not been reported in the literature in individuals affected with HSPG2-related conditions. ClinVar contains an entry for this variant (Variation ID: 295777). Algorithms developed to predict the effect of missense changes on protein structure and function are either unavailable or do not agree on the potential impact of this missense change (SIFT: "Tolerated"; PolyPhen-2: "Possibly Damaging"; Align-GVGD: "Class C0"). Algorithms developed to predict the effect of sequence changes on RNA splicing suggest that this variant may create or strengthen a splice site. In summary, the available evidence is currently insufficient to determine the role of this variant in disease. Therefore, it has been classified as a Variant of Uncertain Significance.

Ambry Genetics
Classification: Uncertain significance for Inborn genetic diseases. Last evaluated: 2021-07-13. Review status: criteria provided, single submitter. Criteria: Ambry Variant Classification Scheme 2023. Collection method: clinical testing. Allele origin: germline.

Revvity Omics, Revvity
Classification: Uncertain significance. Last evaluated: 2020-03-30. Review status: criteria provided, single submitter. Criteria: ACMG Guidelines, 2015. Collection method: clinical testing. Allele origin: germline.

Illumina Laboratory Services, Illumina
Classification: Uncertain significance for Schwartz-Jampel syndrome type 1. Last evaluated: 2018-01-13. Review status: criteria provided, single submitter. Criteria: ICSL Variant Classification Criteria 13 December 2019. Collection method: clinical testing. Allele origin: germline.

Illumina Laboratory Services, Illumina
Classification: Uncertain significance for Lethal Kniest-like syndrome. Last evaluated: 2018-01-13. Review status: criteria provided, single submitter. Criteria: ICSL Variant Classification Criteria 13 December 2019. Collection method: clinical testing. Allele origin: germline.